The following is an entry in ClinVar:

NM_005529.7(HSPG2):c.12565C>T (p.His4189Tyr)

Gene: HSPG2 (heparan sulfate proteoglycan 2; minus strand). Cytogenetic location: 1p36.12.
Variant type: single nucleotide variant.
Coding change: c.12565C>T on transcript NM_005529.7 (MANE Select); coding-DNA position 12565, C replaced by T.
Protein change: p.His4189Tyr; replaces histidine 4189 with tyrosine.
Molecular consequence: missense variant.
Genome position (GRCh38, 1-based): chr1:21,827,887, G>A on the plus strand (C>T on the coding strand, the complement: HSPG2 is on the minus strand). VCF-style: chr1-21827887-G-A. GRCh37 (hg19) VCF-style: chr1-22154380-G-A.
Other names: c.12568C>T, p.His4190Tyr (NM_001291860.2); short protein forms H4189Y, H4190Y.
Identifiers: ClinVar variation 3360568 (VCV003360568.1).
Genomic context (GRCh38, chr1:21,827,887, plus strand): 5'-GCTGAAGCTGGGGAGGAGGCCATGGCAAGTACTCACCATTGCCCCCGCTGCCTTCAAGAT[G>A]CCAGTCGGACTCTGCTATGCCATGTCCAGAGCCTATGGAGAAGGGCAGGGTCCAGTTGGT-3'
Protein context (NP_005520.4, residues 4179-4199): SGHGIAESDW[His4189Tyr]LEGSGGNDAP

ClinVar aggregate classification (germline): Uncertain significance (1 of 4 stars; one submission).

gnomAD v4.1: 9 of 1,593,614 alleles (0.00056%); highest among the groups gnomAD compares: Admixed American, 0.016%; no homozygotes.

Submission:

GeneDx
Classification: Uncertain significance. Last evaluated: 2023-07-02. Review status: criteria provided, single submitter. Criteria: GeneDx Variant Classification Process June 2021. Collection method: clinical testing. Allele origin: germline. Affected: yes.
Comment: In silico analysis supports that this missense variant does not alter protein structure/function; Has not been previously published as pathogenic or benign to our knowledge